The following is an entry in ClinVar:

NM_015662.3(IFT172):c.2313C>T (p.Ser771=)

Gene: IFT172 (intraflagellar transport 172; minus strand). Cytogenetic location: 2p23.3.
Variant type: single nucleotide variant.
Coding change: c.2313C>T on transcript NM_015662.3 (MANE Select); coding-DNA position 2313, C replaced by T.
Protein change: p.Ser771=; no amino-acid change (serine 771 retained).
Molecular consequence: synonymous variant.
Genome position (GRCh38, 1-based): chr2:27,461,398, G>A on the plus strand (C>T on the coding strand, the complement: IFT172 is on the minus strand). VCF-style: chr2-27461398-G-A. GRCh37 (hg19) VCF-style: chr2-27684265-G-A.
Other names: c.2247C>T, p.Ser749= (NM_001410739.1).
Identifiers: ClinVar variation 5000525 (VCV005000525.1).

ClinVar aggregate classification (germline): Likely benign (1 of 4 stars; one submission).

Conditions:
IFT172-related disorder. Also called: IFT172-related disorders; IFT172-related condition.

gnomAD v4.1: 1 of 1,614,200 alleles (0.000062%); highest among the groups gnomAD compares: Non-Finnish European, 0.000085%; no homozygotes.

Submission:

PreventionGenetics, part of Exact Sciences
Classification: Likely benign for IFT172-related condition. Last evaluated: 2025-03-25. Review status: criteria provided, single submitter. Criteria: ACMG Guidelines, 2015. Collection method: clinical testing. Allele origin: germline.
Comment: This variant is classified as likely benign based on ACMG/AMP sequence variant interpretation guidelines (Richards et al. 2015 PMID: 25741868, with internal and published modifications).